The following is an entry in ClinVar:

NM_001105206.3(LAMA4):c.966+4C>T

Gene: LAMA4 (laminin subunit alpha 4; minus strand). Cytogenetic location: 6q21.
Variant type: single nucleotide variant.
Coding change: c.966+4C>T on transcript NM_001105206.3 (MANE Select); 4 bases into the intron after coding-DNA position 966, C replaced by T.
Molecular consequence: intron variant.
Genome position (GRCh38, 1-based): chr6:112,187,446, G>A on the plus strand (C>T on the coding strand, the complement: LAMA4 is on the minus strand). VCF-style: chr6-112187446-G-A. GRCh37 (hg19) VCF-style: chr6-112508648-G-A.
Other names: c.945+4C>T (NM_002290.5, NM_001105207.3, NM_002290.3).
Identifiers: ClinVar variation 2169197 (VCV002169197.5), dbSNP rs372706971, ClinGen allele CA569675158.

ClinVar aggregate classification (germline): Uncertain significance. Review status: criteria provided, multiple submitters, no conflicts (2 of 4 stars). 2 submissions from 2 submitters: Uncertain significance (2). Last evaluated 2025-12-28.

Conditions:
Cardiovascular phenotype. Identifiers: MedGen CN230736.
Dilated cardiomyopathy 1JJ (CMD1JJ). Identifiers: Orphanet 154, MedGen C3808935, MONDO:0014095, OMIM 615235.

Allele frequency attached by ClinVar (database versions not stated): 1000 Genomes Project 30x 0.00016.

Submissions (2):

Labcorp Genetics (formerly Invitae), Labcorp
Classification: Uncertain significance for Dilated cardiomyopathy 1JJ. Last evaluated: 2025-12-28. Review status: criteria provided, single submitter. Criteria: Invitae Variant Classification Sherloc (09022015). Collection method: clinical testing. Allele origin: germline.
Comment: This sequence change falls in intron 8 of the LAMA4 gene. It does not directly change the encoded amino acid sequence of the LAMA4 protein. It affects a nucleotide within the consensus splice site. The frequency data for this variant in the population databases is considered unreliable, as metrics indicate poor data quality at this position in the gnomAD database. This variant has not been reported in the literature in individuals affected with LAMA4-related conditions. ClinVar contains an entry for this variant (Variation ID: 2169197). Variants that disrupt the consensus splice site are a relatively common cause of aberrant splicing (PMID: 17576681, 9536098). Algorithms developed to predict the effect of sequence changes on RNA splicing suggest that this variant is not likely to affect RNA splicing. In summary, the available evidence is currently insufficient to determine the role of this variant in disease. Therefore, it has been classified as a Variant of Uncertain Significance.

Ambry Genetics
Classification: Uncertain significance for Cardiovascular phenotype. Last evaluated: 2024-01-05. Review status: criteria provided, single submitter. Criteria: Ambry Variant Classification Scheme 2023. Collection method: clinical testing. Allele origin: germline.
Comment: The c.945+4C>T intronic variant results from a C to T substitution 4 nucleotides after coding exon 7 in the LAMA4 gene. This nucleotide position is poorly conserved in available vertebrate species. In silico splice site analysis predicts that this alteration will not have any significant effect on splicing. The evidence for this gene-disease relationship is limited; therefore, the clinical significance of this alteration is unclear.

Literature cited by the submitters: PubMed 17576681 (cited by Labcorp Genetics (formerly Invitae), Labcorp); PubMed 9536098 (cited by Labcorp Genetics (formerly Invitae), Labcorp).